The following is an entry in ClinVar:

NM_016203.4(PRKAG2):c.2T>A (p.Met1Lys)

Gene: PRKAG2 (protein kinase AMP-activated non-catalytic subunit gamma 2; minus strand). Cytogenetic location: 7q36.1.
Variant type: single nucleotide variant.
Coding change: c.2T>A on transcript NM_016203.4 (MANE Select); coding-DNA position 2, T replaced by A.
Protein change: p.Met1Lys; changes the start codon (methionine 1).
Molecular consequence: missense variant, initiator codon variant.
Genome position (GRCh38, 1-based): chr7:151,876,619, A>T on the plus strand (T>A on the coding strand, the complement: PRKAG2 is on the minus strand). VCF-style: chr7-151876619-A-T. GRCh37 (hg19) VCF-style: chr7-151573704-A-T.
Other names: c.2T>A, p.Met1Lys (NM_001407021.1, NM_001407022.1, NM_001407023.1 and 2 more transcripts); short protein forms M1K.
Identifiers: ClinVar variation 3425026 (VCV003425026.1).

ClinVar aggregate classification (germline): Uncertain significance (1 of 4 stars; one submission).

Conditions:
Cardiovascular phenotype. Identifiers: MedGen CN230736.

Submission:

Ambry Genetics
Classification: Uncertain significance for Cardiovascular phenotype. Last evaluated: 2024-10-02. Review status: criteria provided, single submitter. Criteria: Ambry Variant Classification Scheme 2023. Collection method: clinical testing. Allele origin: germline.
Comment: The p.M1? variant (also known as c.2T>A) is located in coding exon 1 of the PRKAG2 gene and results from a T to A substitution at nucleotide position 2. This alters the methionine residue at the initiation codon (ATG). Sequence variations that modify the initiation codon are expected to result in either loss of translation initiation, N-terminal truncation, or cause a shift in the mRNA reading frame; however, there is an in-frame methionine 5 amino acids from the initiation site, which may result in N-terminal truncation of unknown functional significance. In addition, loss of function of PRKAG2 has not been established as a mechanism of disease. Based on the available evidence, the clinical significance of this alteration remains unclear.